The following is an entry in ClinVar:

ClinVar aggregate classification (germline): Uncertain significance (1 of 4 stars; one submission).

Allele frequency attached by ClinVar (database versions not stated): gnomAD 0.00001.
gnomAD v4.1: 4 of 1,083,506 alleles (0.00037%); highest among the groups gnomAD compares: Non-Finnish European, 0.00054%; no homozygotes.

Submission:

GeneDx
Classification: Uncertain significance. Last evaluated: 2023-08-24. Review status: criteria provided, single submitter. Criteria: GeneDx Variant Classification Process June 2021. Collection method: clinical testing. Allele origin: germline. Affected: yes.
Comment: Has not been previously published as pathogenic or benign to our knowledge; No data available from control populations to assess the frequency of this variant; Canonical splice site variant in a gene for which loss-of-function is not an established mechanism of disease

NM_004655.4(AXIN2):c.-116-2A>G

Gene: AXIN2 (axin 2; minus strand). Cytogenetic location: 17q24.1.
Variant type: single nucleotide variant.
Coding change: c.-116-2A>G on transcript NM_004655.4 (MANE Select); the canonical splice acceptor site of the intron before 116 bases upstream of the start codon, A replaced by G.
Molecular consequence: splice acceptor variant.
Genome position (GRCh38, 1-based): chr17:65,558,738, T>C on the plus strand (A>G on the coding strand, the complement: AXIN2 is on the minus strand). VCF-style: chr17-65558738-T-C. GRCh37 (hg19) VCF-style: chr17-63554856-T-C.
Other names: c.-116-2A>G (NM_001363813.1).
Identifiers: ClinVar variation 2577815 (VCV002577815.1), dbSNP rs1064795553, ClinGen allele CA985570367.